The following is an entry in ClinVar:

ClinVar aggregate classification (germline): Uncertain significance (1 of 4 stars; one submission).

Submission:

CeGaT Center for Human Genetics Tuebingen
Classification: Uncertain significance. Last evaluated: 2025-02-01. Review status: criteria provided, single submitter. Criteria: CeGaT Center For Human Genetics Tuebingen Variant Classification Criteria Version 2. Collection method: clinical testing. Allele origin: germline. Affected: yes. Observed: 1 variant allele.
Comment: ACTG1: PM2, PP2

NM_001614.5(ACTG1):c.325C>T (p.Pro109Ser)

Gene: ACTG1 (actin gamma 1; minus strand). Cytogenetic location: 17q25.3.
Variant type: single nucleotide variant.
Coding change: c.325C>T on transcript NM_001614.5 (MANE Select); coding-DNA position 325, C replaced by T.
Protein change: p.Pro109Ser; replaces proline 109 with serine.
Molecular consequence: missense variant. On other transcripts: non-coding transcript variant (1).
Genome position (GRCh38, 1-based): chr17:81,511,941, G>A on the plus strand (C>T on the coding strand, the complement: ACTG1 is on the minus strand). VCF-style: chr17-81511941-G-A. GRCh37 (hg19) VCF-style: chr17-79478967-G-A.
Other names: c.325C>T, p.Pro109Ser (NM_001199954.3); short protein forms P109S.
Identifiers: ClinVar variation 3772617 (VCV003772617.13).